The following is an entry in ClinVar:

NM_172107.4(KCNQ2):c.1024-305G>C

Gene: KCNQ2 (potassium voltage-gated channel subfamily Q member 2; minus strand). Cytogenetic location: 20q13.33.
Variant type: single nucleotide variant.
Coding change: c.1024-305G>C on transcript NM_172107.4 (MANE Select); 305 bases into the intron before coding-DNA position 1024, G replaced by C.
Molecular consequence: intron variant.
Genome position (GRCh38, 1-based): chr20:63,434,208, C>G on the plus strand (G>C on the coding strand, the complement: KCNQ2 is on the minus strand). VCF-style: chr20-63434208-C-G. GRCh37 (hg19) VCF-style: chr20-62065561-C-G.
Other names: c.1024-305G>C (NM_001439004.1, NM_004518.6, NM_172108.5 and 4 more transcripts).
Identifiers: ClinVar variation 4085078 (VCV004085078.8).

ClinVar aggregate classification (germline): Likely benign (1 of 4 stars; one submission).

gnomAD v4.1: 106 of 436,088 alleles (0.024%); highest among the groups gnomAD compares: Middle Eastern, 0.058%; no homozygotes.

Submission:

CeGaT Center for Human Genetics Tuebingen
Classification: Likely benign. Last evaluated: 2025-08-01. Review status: criteria provided, single submitter. Criteria: CeGaT Center For Human Genetics Tuebingen Variant Classification Criteria Version 2. Collection method: clinical testing. Allele origin: germline. Affected: yes. Observed: 1 variant allele.
Comment: KCNQ2: BP4